The following is an entry in ClinVar:

NM_001197104.2(KMT2A):c.2569G>T (p.Glu857Ter)

Gene: KMT2A (lysine methyltransferase 2A; plus strand). Cytogenetic location: 11q23.3.
Variant type: single nucleotide variant.
Coding change: c.2569G>T on transcript NM_001197104.2 (MANE Select); coding-DNA position 2569, G replaced by T.
Protein change: p.Glu857Ter; replaces glutamic acid 857 with a stop codon.
Molecular consequence: nonsense.
Genome position (GRCh38, 1-based): chr11:118,473,728, G>T. VCF-style: chr11-118473728-G-T. GRCh37 (hg19) VCF-style: chr11-118344443-G-T.
Other names: c.2569G>T, p.Glu857Ter (NM_005933.4); short protein forms E857*.
Identifiers: ClinVar variation 1335981 (VCV001335981.4), dbSNP rs2134270387, ClinGen allele CA382816207.

ClinVar aggregate classification (germline): Pathogenic (1 of 4 stars; one submission).

gnomAD v4.1: 1 of 1,614,078 alleles (0.000062%); highest among the groups gnomAD compares: Non-Finnish European, 0.000085%; no homozygotes.

Submission:

Genetic Services Laboratory, University of Chicago
Classification: Pathogenic. Last evaluated: 2019-06-26. Review status: criteria provided, single submitter. Criteria: ACMG Guidelines, 2015. Collection method: clinical testing. Allele origin: germline. Affected: yes.
Comment: DNA sequence analysis of the KMT2A gene demonstrated a de novo sequence change, c.2569G>T, which results in the creation of a premature stop codon at amino acid position 857, p.Glu857*. This sequence change is absent from population databases such as ExAC and gnomAD. This pathogenic sequence change is predicted to result in an abnormal transcript, which may be degraded, or may lead to the production of a truncated KMT2A protein with potentially abnormal function.